The following is an entry in ClinVar:

NM_138694.4(PKHD1):c.10983G>A (p.Val3661=)

Gene: PKHD1 (PKHD1 ciliary IPT domain containing fibrocystin/polyductin; minus strand). Cytogenetic location: 6p12.3.
Variant type: single nucleotide variant.
Coding change: c.10983G>A on transcript NM_138694.4 (MANE Select); coding-DNA position 10983, G replaced by A.
Protein change: p.Val3661=; no amino-acid change (valine 3661 retained).
Molecular consequence: synonymous variant.
Genome position (GRCh38, 1-based): chr6:51,659,143, C>T on the plus strand (G>A on the coding strand, the complement: PKHD1 is on the minus strand). VCF-style: chr6-51659143-C-T. GRCh37 (hg19) VCF-style: chr6-51523941-C-T.
Identifiers: ClinVar variation 704979 (VCV000704979.14), dbSNP rs754613918, ClinGen allele CA3850979.
Genomic context (GRCh38, chr6:51,659,143, plus strand): 5'-TAAGGATGAAATCATTCCAGTGCTCCTTACTGTTGGCGAATCACCAATTTCAATGACAAT[C>T]ACTTTTGAGATAGTTTCCACAGTCATTGGGGGTGAAGCCCTATGTGAGTTCATTTCCATC-3'
Protein context (NP_619639.3, residues 3651-3671): PPMTVETISK[Val3661=]IVIEIGDSPT

ClinVar aggregate classification (germline): Likely benign. Review status: criteria provided, multiple submitters, no conflicts (2 of 4 stars). 3 submissions from 3 submitters: Likely benign (2). 1 of the submissions does not count toward it. Last evaluated 2026-01-11.

Conditions:
Polycystic kidney disease 4 (PKD4). Also called: PKD3; POLYCYSTIC KIDNEY AND HEPATIC DISEASE 1; POLYCYSTIC KIDNEY DISEASE, INFANTILE, TYPE I; POLYCYSTIC KIDNEY DISEASE 4 WITH OR WITHOUT POLYCYSTIC LIVER DISEASE; Autosomal Recessive Polycystic Kidney Disease – PKHD1. Identifiers: MedGen C4540575, MONDO:0033004, OMIM 263200.
PKHD1-related disorder. Also called: PKHD1-related condition.
Autosomal recessive polycystic kidney disease (ARPKD). Also called: AR polycystic kidney disease. Identifiers: Orphanet 731, Orphanet 8378, MedGen C0085548, MeSH D017044, MONDO:0009889.

Allele frequency attached by ClinVar (database versions not stated): gnomAD exomes 0.00001 and 0.00003; ExAC 0.00003; gnomAD 0.00004; TOPMed 0.00013.
gnomAD v4.1: 28 of 1,613,668 alleles (0.0017%); highest among the groups gnomAD compares: Admixed American, 0.015%; no homozygotes.

Submissions (3):

Labcorp Genetics (formerly Invitae), Labcorp
Classification: Likely benign for Autosomal recessive polycystic kidney disease. Last evaluated: 2026-01-11. Review status: criteria provided, single submitter. Criteria: Invitae Variant Classification Sherloc (09022015). Collection method: clinical testing. Allele origin: germline.

Fulgent Genetics
Classification: Likely benign for Polycystic kidney disease 4. Last evaluated: 2022-03-03. Review status: criteria provided, single submitter. Criteria: ACMG Guidelines, 2015. Collection method: clinical testing. Allele origin: unknown.

PreventionGenetics, part of Exact Sciences
Classification: Likely benign for PKHD1-related condition. Last evaluated: 2022-08-17. Review status: no assertion criteria provided. Collection method: clinical testing. Allele origin: germline. Not counted in ClinVar's aggregate classification.
Comment: This variant is classified as likely benign based on ACMG/AMP sequence variant interpretation guidelines (Richards et al. 2015 PMID: 25741868, with internal and published modifications).